The following is an entry in ClinVar:

NM_016006.6(ABHD5):c.169A>G (p.Ile57Val)

Gene: ABHD5 (abhydrolase domain containing 5, lysophosphatidic acid acyltransferase; plus strand). Cytogenetic location: 3p21.33.
Variant type: single nucleotide variant.
Coding change: c.169A>G on transcript NM_016006.6 (MANE Select); coding-DNA position 169, A replaced by G.
Protein change: p.Ile57Val; replaces isoleucine 57 with valine.
Molecular consequence: missense variant. On other transcripts: non-coding transcript variant (1).
Genome position (GRCh38, 1-based): chr3:43,702,250, A>G. VCF-style: chr3-43702250-A-G. GRCh37 (hg19) VCF-style: chr3-43743742-A-G.
Other names: c.169A>G, p.Ile57Val (NM_001355186.2, NM_001365650.1); c.46A>G, p.Ile16Val (NM_001365649.1); short protein forms I57V, I16V.
Identifiers: ClinVar variation 2048069 (VCV002048069.3), dbSNP rs2528736572, ClinGen allele CA352344955.
Genomic context (GRCh38, chr3:43,702,250, plus strand): 5'-AATTTCTCTTTTATGTTTTCATTAGGTGTGCCTTGCACATACAAAAAAGAACCTGTTCGT[A>G]TATCTAATGGAAATAAAATATGGACACTGAAGTTCTCTCATAATATTTCAAATAAGACTC-3'
Protein context (NP_057090.2, residues 47-67): PCTYKKEPVR[Ile57Val]SNGNKIWTLK

ClinVar aggregate classification (germline): Uncertain significance (1 of 4 stars; one submission).

Allele frequency attached by ClinVar (database versions not stated): gnomAD exomes below 0.00001.
gnomAD v4.1: 1 of 1,593,144 alleles (0.000063%); highest among the groups gnomAD compares: Non-Finnish European, 0.000086%; no homozygotes.

Submission:

Labcorp Genetics (formerly Invitae), Labcorp
Classification: Uncertain significance. Last evaluated: 2021-12-19. Review status: criteria provided, single submitter. Criteria: Invitae Variant Classification Sherloc (09022015). Collection method: clinical testing. Allele origin: germline.
Comment: In summary, the available evidence is currently insufficient to determine the role of this variant in disease. Therefore, it has been classified as a Variant of Uncertain Significance. Algorithms developed to predict the effect of missense changes on protein structure and function output the following: SIFT: "Tolerated"; PolyPhen-2: "Benign"; Align-GVGD: "Class C15". The valine amino acid residue is found in multiple mammalian species, which suggests that this missense change does not adversely affect protein function. This variant has not been reported in the literature in individuals affected with ABHD5-related conditions. This variant is not present in population databases (gnomAD no frequency). This sequence change replaces isoleucine, which is neutral and non-polar, with valine, which is neutral and non-polar, at codon 57 of the ABHD5 protein (p.Ile57Val).